The following is an entry in ClinVar:

NC_000005.10:g.(?_60904782)_(60945392_?)del

Genes: ERCC8 (ERCC excision repair 8, CSA ubiquitin ligase complex subunit; minus strand), NDUFAF2 (NADH:ubiquinone oxidoreductase complex assembly factor 2; plus strand). Cytogenetic location: 5q12.1.
Variant type: Deletion.
Identifiers: ClinVar variation 831694 (VCV000831694.5).

ClinVar aggregate classification (germline): Pathogenic (1 of 4 stars; one submission).

Submission:

Labcorp Genetics (formerly Invitae), Labcorp
Classification: Pathogenic. Last evaluated: 2022-01-02. Review status: criteria provided, single submitter. Criteria: Invitae Variant Classification Sherloc (09022015). Collection method: clinical testing. Allele origin: germline.
Comment: This variant is a gross deletion of the genomic region encompassing exon(s) 1-5 of the ERCC8 gene, which includes the initiator codon. This deletion extends beyond the assayed region for this gene and therefore may encompass additional genes. It is expected to result in an absent or disrupted protein product. Loss-of-function variants in ERCC8 are known to be pathogenic (PMID: 29572252). A similar copy number variant has been observed in individual(s) with Cockayne syndrome (PMID: 32557569). For these reasons, this variant has been classified as Pathogenic.

Literature cited by the submitters: PubMed 29572252; PubMed 32557569.